The following is an entry in ClinVar:

NM_022454.4(SOX17):c.1084G>C (p.Glu362Gln)

Gene: SOX17 (SRY-box transcription factor 17; plus strand). Cytogenetic location: 8q11.23.
Variant type: single nucleotide variant.
Coding change: c.1084G>C on transcript NM_022454.4 (MANE Select); coding-DNA position 1084, G replaced by C.
Protein change: p.Glu362Gln; replaces glutamic acid 362 with glutamine.
Molecular consequence: missense variant.
Genome position (GRCh38, 1-based): chr8:54,459,834, G>C. VCF-style: chr8-54459834-G-C. GRCh37 (hg19) VCF-style: chr8-55372394-G-C.
Other names: short protein forms E362Q.
Identifiers: ClinVar variation 1319008 (VCV001319008.2), dbSNP rs2129278320, ClinGen allele CA371025777.

ClinVar aggregate classification (germline): Uncertain significance (1 of 4 stars; one submission).

Submission:

GeneDx
Classification: Uncertain significance. Last evaluated: 2020-01-22. Review status: criteria provided, single submitter. Criteria: GeneDx Variant Classification Process June 2021. Collection method: clinical testing. Allele origin: germline. Affected: yes.
Comment: Not observed in large population cohorts (Lek et al., 2016); In silico analysis, which includes protein predictors and evolutionary conservation, supports a deleterious effect; Has not been previously published as pathogenic or benign to our knowledge